The following is an entry in ClinVar:

NM_001394062.1(MACF1):c.12495G>C (p.Glu4165Asp)

Gene: MACF1 (microtubule actin crosslinking factor 1; plus strand). Cytogenetic location: 1p34.3.
Variant type: single nucleotide variant.
Coding change: c.12495G>C on transcript NM_001394062.1 (MANE Select); coding-DNA position 12495, G replaced by C.
Protein change: p.Glu4165Asp; replaces glutamic acid 4165 with aspartic acid.
Molecular consequence: missense variant.
Genome position (GRCh38, 1-based): chr1:39,361,401, G>C. VCF-style: chr1-39361401-G-C. GRCh37 (hg19) VCF-style: chr1-39827073-G-C.
Other names: c.6309G>C, p.Glu2103Asp (NM_012090.5); short protein forms E2103D, E4165D.
Identifiers: ClinVar variation 4881818 (VCV004881818.2).

ClinVar aggregate classification (germline): Uncertain significance (1 of 4 stars; one submission).

Submission:

Dasa
Classification: Uncertain significance. Last evaluated: 2024-08-20. Review status: criteria provided, single submitter. Criteria: DASA Assertion Criteria. Collection method: clinical testing. Allele origin: germline.
Comment: NM_001394062.1(MACF1):c.12495G>C (p.Glu4165Asp) is a missense variant that results in the substitution of glutamic acid with aspartic acid. This variant is absent from population databases. The currently available literature and clinical evidence are not sufficient to establish a definitive association between this variant and the reported condition. Therefore, this variant is classified as a variant of uncertain significance.